The following is an entry in ClinVar:

ClinVar aggregate classification (germline): Uncertain significance (1 of 4 stars; one submission).

Conditions:
Bloom syndrome (BLM). Also called: Bloom-Torre-Machacek syndrome. Identifiers: Orphanet 125, MedGen C0005859, MONDO:0008876, OMIM 210900.

Submission:

Labcorp Genetics (formerly Invitae), Labcorp
Classification: Uncertain significance for Bloom syndrome. Last evaluated: 2024-06-22. Review status: criteria provided, single submitter. Criteria: Invitae Variant Classification Sherloc (09022015). Collection method: clinical testing. Allele origin: germline.
Comment: This sequence change replaces threonine, which is neutral and polar, with lysine, which is basic and polar, at codon 477 of the BLM protein (p.Thr477Lys). This variant is not present in population databases (gnomAD no frequency). This variant has not been reported in the literature in individuals affected with BLM-related conditions. Advanced modeling of protein sequence and biophysical properties (such as structural, functional, and spatial information, amino acid conservation, physicochemical variation, residue mobility, and thermodynamic stability) performed at Invitae indicates that this missense variant is not expected to disrupt BLM protein function with a negative predictive value of 80%. In summary, the available evidence is currently insufficient to determine the role of this variant in disease. Therefore, it has been classified as a Variant of Uncertain Significance.

NM_000057.4(BLM):c.1430C>A (p.Thr477Lys)

Gene: BLM (BLM RecQ like helicase; plus strand). Cytogenetic location: 15q26.1.
Variant type: single nucleotide variant.
Coding change: c.1430C>A on transcript NM_000057.4 (MANE Select); coding-DNA position 1430, C replaced by A.
Protein change: p.Thr477Lys; replaces threonine 477 with lysine.
Molecular consequence: missense variant.
Genome position (GRCh38, 1-based): chr15:90,760,803, C>A. VCF-style: chr15-90760803-C-A. GRCh37 (hg19) VCF-style: chr15-91304033-C-A.
Other names: c.1430C>A, p.Thr477Lys (NM_001287246.2, NM_001287247.2); c.305C>A, p.Thr102Lys (NM_001287248.2); short protein forms T102K, T477K.
Identifiers: ClinVar variation 3657339 (VCV003657339.2).
Genomic context (GRCh38, chr15:90,760,803, plus strand): 5'-ACCTTCCCTCAAATTCTGTTTCTCCTGGGGACTGTTTACTGACTACCACCCTAGGAAAGA[C>A]AGGATTCTCTGCCACCAGGAAGAATCTTTTTGAAAGGCCTTTATTCAATACCCATTTACA-3'
Protein context (NP_000048.1, residues 467-487): DCLLTTTLGK[Thr477Lys]GFSATRKNLF